The following is an entry in ClinVar:

NM_001282531.3(ADNP):c.2220C>T (p.Ser740=)

Gene: ADNP (activity dependent neuroprotector homeobox; minus strand). Cytogenetic location: 20q13.13.
Variant type: single nucleotide variant.
Coding change: c.2220C>T on transcript NM_001282531.3 (MANE Select); coding-DNA position 2220, C replaced by T.
Protein change: p.Ser740=; no amino-acid change (serine 740 retained).
Molecular consequence: synonymous variant.
Genome position (GRCh38, 1-based): chr20:50,892,494, G>A on the plus strand (C>T on the coding strand, the complement: ADNP is on the minus strand). VCF-style: chr20-50892494-G-A. GRCh37 (hg19) VCF-style: chr20-49509031-G-A.
Other names: c.2220C>T (NM_001282531.2); c.2220C>T, p.Ser740= (NM_001282532.2, NM_001347511.2, NM_015339.5 and 1 more transcripts).
Identifiers: ClinVar variation 1998322 (VCV001998322.5), dbSNP rs771030732, ClinGen allele CA511021274.

ClinVar aggregate classification (germline): Uncertain significance. Review status: criteria provided, single submitter (1 of 4 stars). 2 submissions from 2 submitters: Uncertain significance (1). 1 of the submissions does not count toward it. Last evaluated 2023-09-01.

Conditions:
ADNP-related disorder. Also called: ADNP-related condition.

gnomAD v4.1: 1 of 1,614,214 alleles (0.000062%); highest among the groups gnomAD compares: Non-Finnish European, 0.000085%; no homozygotes.

Submissions (2):

Labcorp Genetics (formerly Invitae), Labcorp
Classification: Uncertain significance. Last evaluated: 2023-09-01. Review status: criteria provided, single submitter. Criteria: Invitae Variant Classification Sherloc (09022015). Collection method: clinical testing. Allele origin: germline.
Comment: In summary, the available evidence is currently insufficient to determine the role of this variant in disease. Therefore, it has been classified as a Variant of Uncertain Significance. ClinVar contains an entry for this variant (Variation ID: 1998322). This variant has not been reported in the literature in individuals affected with ADNP-related conditions. This variant is not present in population databases (gnomAD no frequency). This sequence change affects codon 740 of the ADNP mRNA. It is a 'silent' change, meaning that it does not change the encoded amino acid sequence of the ADNP protein.

PreventionGenetics, part of Exact Sciences
Classification: Likely benign for ADNP-related condition. Last evaluated: 2024-09-24. Review status: no assertion criteria provided. Collection method: clinical testing. Allele origin: germline. Not counted in ClinVar's aggregate classification.
Comment: This variant is classified as likely benign based on ACMG/AMP sequence variant interpretation guidelines (Richards et al. 2015 PMID: 25741868, with internal and published modifications).